The following is an entry in ClinVar:

NM_001371279.1(REEP1):c.345C>G (p.Tyr115Ter)

Gene: REEP1 (receptor accessory protein 1; minus strand). Cytogenetic location: 2p11.2.
Variant type: single nucleotide variant.
Coding change: c.345C>G on transcript NM_001371279.1 (MANE Select); coding-DNA position 345, C replaced by G.
Protein change: p.Tyr115Ter; replaces tyrosine 115 with a stop codon.
Molecular consequence: nonsense. On other transcripts: intron variant (1).
Genome position (GRCh38, 1-based): chr2:86,252,029, G>C on the plus strand (C>G on the coding strand, the complement: REEP1 is on the minus strand). VCF-style: chr2-86252029-G-C. GRCh37 (hg19) VCF-style: chr2-86479152-G-C.
Other names: c.366C>G, p.Tyr122Ter (NM_001164730.2); c.264C>G, p.Tyr88Ter (NM_001164731.2); c.345C>G, p.Tyr115Ter (NM_001371280.1, NM_022912.3); c.182+11936C>G (NM_001164732.2); short protein forms Y115*, Y122*, Y88*.
Identifiers: ClinVar variation 1076331 (VCV001076331.9), dbSNP rs138656911, ClinGen allele CA347716239.

ClinVar aggregate classification (germline): Pathogenic (1 of 4 stars; one submission).

Conditions:
Hereditary spastic paraplegia 31. Also called: SPASTIC PARAPLEGIA 31, AUTOSOMAL DOMINANT. Identifiers: Orphanet 101011, MedGen C1853247, MONDO:0012453, OMIM 610250.

Submission:

Labcorp Genetics (formerly Invitae), Labcorp
Classification: Pathogenic for Hereditary spastic paraplegia 31. Last evaluated: 2024-09-30. Review status: criteria provided, single submitter. Criteria: Invitae Variant Classification Sherloc (09022015). Collection method: clinical testing. Allele origin: germline.
Comment: This sequence change creates a premature translational stop signal (p.Tyr115*) in the REEP1 gene. It is expected to result in an absent or disrupted protein product. Loss-of-function variants in REEP1 are known to be pathogenic (PMID: 18321925, 18644145, 32655478). This variant is not present in population databases (gnomAD no frequency). This premature translational stop signal has been observed in individuals with hereditary spastic paraplegia (PMID: 18644145; internal data). ClinVar contains an entry for this variant (Variation ID: 1076331). For these reasons, this variant has been classified as Pathogenic.

Literature cited by the submitters: PubMed 18321925; PubMed 18644145; PubMed 32655478.